The following is an entry in ClinVar:

ClinVar aggregate classification (germline): Pathogenic (1 of 4 stars; one submission).

Submission:

Labcorp Genetics (formerly Invitae), Labcorp
Classification: Pathogenic. Last evaluated: 2023-02-07. Review status: criteria provided, single submitter. Criteria: Invitae Variant Classification Sherloc (09022015). Collection method: clinical testing. Allele origin: germline.
Comment: This variant has not been reported in the literature in individuals affected with SEPSECS-related conditions. For these reasons, this variant has been classified as Pathogenic. This variant is not present in population databases (gnomAD no frequency). This sequence change creates a premature translational stop signal (p.Ser331*) in the SEPSECS gene. It is expected to result in an absent or disrupted protein product. Loss-of-function variants in SEPSECS are known to be pathogenic (PMID: 25558065, 25590979, 26115735).

Literature cited by the submitters: PubMed 25558065; PubMed 25590979; PubMed 26115735.

NM_016955.4(SEPSECS):c.992C>A (p.Ser331Ter)

Gene: SEPSECS (Sep (O-phosphoserine) tRNA:Sec (selenocysteine) tRNA synthase; minus strand). Cytogenetic location: 4p15.2.
Variant type: single nucleotide variant.
Coding change: c.992C>A on transcript NM_016955.4 (MANE Select); coding-DNA position 992, C replaced by A.
Protein change: p.Ser331Ter; replaces serine 331 with a stop codon.
Molecular consequence: nonsense.
Genome position (GRCh38, 1-based): chr4:25,144,808, G>T on the plus strand (C>A on the coding strand, the complement: SEPSECS is on the minus strand). VCF-style: chr4-25144808-G-T. GRCh37 (hg19) VCF-style: chr4-25146430-G-T.
Other names: c.1247C>A, p.Ser416Ter (NM_001410714.1); c.992C>A, p.Ser331Ter (NM_153825.2); short protein forms S331*, S416*.
Identifiers: ClinVar variation 2835225 (VCV002835225.3), dbSNP rs2474660058, ClinGen allele CA356536771.